The following is an entry in ClinVar:

NM_022489.4(INF2):c.2188G>A (p.Val730Met)

Gene: INF2 (inverted formin 2; plus strand). Cytogenetic location: 14q32.33.
Variant type: single nucleotide variant.
Coding change: c.2188G>A on transcript NM_022489.4 (MANE Select); coding-DNA position 2188, G replaced by A.
Protein change: p.Val730Met; replaces valine 730 with methionine.
Molecular consequence: missense variant.
Genome position (GRCh38, 1-based): chr14:104,710,137, G>A. VCF-style: chr14-104710137-G-A. GRCh37 (hg19) VCF-style: chr14-105176474-G-A.
Other names: c.2188G>A, p.Val730Met (NM_001031714.4); short protein forms V730M.
Identifiers: ClinVar variation 540056 (VCV000540056.35), dbSNP rs373199310, ClinGen allele CA267325788.
Genomic context (GRCh38, chr14:104,710,137, plus strand): 5'-GCCATCCCCAGCTACCAGCTGCGAATCGAGTGCATGCTGCTGTGTGAGGGCGCGGCCGCC[G>A]TGCTGGACATGGTGCGGCCCAAGGCCCAGCTGGTGCTGGCTGCCTGCGAAAGTGAGTGGG-3'
Protein context (NP_071934.3, residues 720-740): CMLLCEGAAA[Val730Met]LDMVRPKAQL

ClinVar aggregate classification (germline): Conflicting classifications of pathogenicity. Review status: criteria provided, conflicting classifications (1 of 4 stars). 5 submissions from 5 submitters: Uncertain significance (1); Likely benign (4). Last evaluated 2025-10-14.

Conditions:
Charcot-Marie-Tooth disease dominant intermediate E. Also called: CHARCOT-MARIE-TOOTH NEUROPATHY WITH FOCAL SEGMENTAL GLOMERULONEPHRITIS. Identifiers: Orphanet 93114, MedGen C4302667, MONDO:0013758, OMIM 614455.
Focal segmental glomerulosclerosis 5 (FSGS5). Identifiers: Orphanet 656, MedGen C2750475, MONDO:0013191, OMIM 613237.
Inborn genetic diseases. Identifiers: MedGen C0950123, MeSH D030342.

Allele frequency attached by ClinVar (database versions not stated): gnomAD 0.00001; TOPMed 0.00004; gnomAD exomes 0.00005; ESP Exome Variant Server 0.00008.
gnomAD v4.1: 75 of 1,553,304 alleles (0.0048%); highest among the groups gnomAD compares: East Asian, 0.019%; 1 homozygote.

Submissions (5):

Labcorp Genetics (formerly Invitae), Labcorp
Classification: Likely benign for Charcot-Marie-Tooth disease dominant intermediate E; Focal segmental glomerulosclerosis 5. Last evaluated: 2025-10-14. Review status: criteria provided, single submitter. Criteria: Invitae Variant Classification Sherloc (09022015). Collection method: clinical testing. Allele origin: germline.

Fulgent Genetics
Classification: Likely benign for Focal segmental glomerulosclerosis 5; Charcot-Marie-Tooth disease dominant intermediate E. Last evaluated: 2024-01-21. Review status: criteria provided, single submitter. Criteria: ACMG Guidelines, 2015. Collection method: clinical testing. Allele origin: germline.

CeGaT Center for Human Genetics Tuebingen
Classification: Likely benign. Last evaluated: 2023-06-01. Review status: criteria provided, single submitter. Criteria: CeGaT Center For Human Genetics Tuebingen Variant Classification Criteria Version 2. Collection method: clinical testing. Allele origin: germline. Affected: yes. Observed: 1 variant allele.
Comment: INF2: BP4, BS2

Blueprint Genetics
Classification: Uncertain significance. Last evaluated: 2022-12-07. Review status: criteria provided, single submitter. Criteria: ACMG Guidelines, 2015. Collection method: clinical testing. Allele origin: germline.

Ambry Genetics
Classification: Likely benign for Inborn genetic diseases. Last evaluated: 2020-02-10. Review status: criteria provided, single submitter. Criteria: Ambry Variant Classification Scheme 2023. Collection method: clinical testing. Allele origin: germline.